The following is an entry in ClinVar:

ClinVar aggregate classification (germline): Uncertain significance. Review status: criteria provided, multiple submitters, no conflicts (2 of 4 stars). 2 submissions from 2 submitters: Uncertain significance (2). Last evaluated 2025-06-27.

Conditions:
Hereditary cancer-predisposing syndrome. Also called: Hereditary Cancer Syndrome; Hereditary neoplastic syndrome; Tumor predisposition; Neoplastic Syndromes, Hereditary. Identifiers: Orphanet 140162, MedGen C0027672, MeSH D009386, MONDO:0015356.
Oligodontia-cancer predisposition syndrome. Also called: TOOTH AGENESIS-COLORECTAL CANCER SYNDROME. Identifiers: Orphanet 300576, MedGen C1837750, MONDO:0012075, OMIM 608615. Disease mechanism: loss of function.

Allele frequency attached by ClinVar (database versions not stated): TOPMed below 0.00001.

Submissions (2):

Labcorp Genetics (formerly Invitae), Labcorp
Classification: Uncertain significance for Oligodontia-cancer predisposition syndrome. Last evaluated: 2025-06-27. Review status: criteria provided, single submitter. Criteria: Invitae Variant Classification Sherloc (09022015). Collection method: clinical testing. Allele origin: germline.
Comment: This sequence change replaces cysteine, which is neutral and slightly polar, with tyrosine, which is neutral and polar, at codon 716 of the AXIN2 protein (p.Cys716Tyr). This variant is not present in population databases (gnomAD no frequency). This variant has not been reported in the literature in individuals affected with AXIN2-related conditions. ClinVar contains an entry for this variant (Variation ID: 1401303). An algorithm developed to predict the effect of missense changes on protein structure and function (PolyPhen-2) suggests that this variant is likely to be disruptive. In summary, the available evidence is currently insufficient to determine the role of this variant in disease. Therefore, it has been classified as a Variant of Uncertain Significance.

Ambry Genetics
Classification: Uncertain significance for Hereditary cancer-predisposing syndrome. Last evaluated: 2023-10-22. Review status: criteria provided, single submitter. Criteria: Ambry Variant Classification Scheme 2023. Collection method: clinical testing. Allele origin: germline.
Comment: The p.C716Y variant (also known as c.2147G>A), located in coding exon 8 of the AXIN2 gene, results from a G to A substitution at nucleotide position 2147. The cysteine at codon 716 is replaced by tyrosine, an amino acid with highly dissimilar properties. This amino acid position is conserved. In addition, the in silico prediction for this alteration is inconclusive. Since supporting evidence is limited at this time, the clinical significance of this alteration remains unclear.

NM_004655.4(AXIN2):c.2147G>A (p.Cys716Tyr)

Gene: AXIN2 (axin 2; minus strand). Cytogenetic location: 17q24.1.
Variant type: single nucleotide variant.
Coding change: c.2147G>A on transcript NM_004655.4 (MANE Select); coding-DNA position 2147, G replaced by A.
Protein change: p.Cys716Tyr; replaces cysteine 716 with tyrosine.
Molecular consequence: missense variant.
Genome position (GRCh38, 1-based): chr17:65,535,716, C>T on the plus strand (G>A on the coding strand, the complement: AXIN2 is on the minus strand). VCF-style: chr17-65535716-C-T. GRCh37 (hg19) VCF-style: chr17-63531834-C-T.
Other names: c.1952G>A, p.Cys651Tyr (NM_001363813.1); c.2147G>A (NM_004655.3); short protein forms C651Y, C716Y.
Identifiers: ClinVar variation 1401303 (VCV001401303.9), dbSNP rs2043901014, ClinGen allele CA400675878.